The following is an entry in ClinVar:

ClinVar aggregate classification (germline): Pathogenic (1 of 4 stars; one submission).

Conditions:
Inborn genetic diseases. Identifiers: MedGen C0950123, MeSH D030342.

Submission:

Ambry Genetics
Classification: Pathogenic for Inborn genetic diseases. Last evaluated: 2025-03-21. Review status: criteria provided, single submitter. Criteria: Ambry Variant Classification Scheme 2023. Collection method: clinical testing. Allele origin: germline.
Comment: The c.1306dupC (p.H436Pfs*20) alteration, located in exon 16 (coding exon 15) of the TCF12 gene, consists of a duplication of C at position 1306, causing a translational frameshift with a predicted alternate stop codon after 20 amino acids. This alteration is expected to result in loss of function by premature protein truncation or nonsense-mediated mRNA decay. This variant was not reported in population-based cohorts in the Genome Aggregation Database (gnomAD). Based on the available evidence, this alteration is classified as pathogenic.

NM_207037.2(TCF12):c.1306dup (p.His436fs)

Gene: TCF12 (transcription factor 12; plus strand). Cytogenetic location: 15q21.3.
Variant type: Duplication.
Coding change: c.1306dup on transcript NM_207037.2 (MANE Select); coding-DNA position 1306, one base duplicated (C; older notation c.1306dupC).
Protein change: p.His436fs; shifts the reading frame from histidine 436.
Molecular consequence: frameshift variant.
Genome position (GRCh38, 1-based): chr15:57,253,307, C duplicated; the last of 2 consecutive C bases (chr15:57,253,306-57,253,307); duplicating either gives the same sequence. VCF-style (leftmost placement, unchanged base first): chr15-57253305-T-TC. GRCh37 (hg19) VCF-style: chr15-57545503-T-TC.
Other names: c.796dup, p.His266fs (NM_001306219.3); c.526dup, p.His176fs (NM_001306220.3); c.1306dup, p.His436fs (NM_001322151.2, NM_001322152.2, NM_001322159.3 and 2 more transcripts); c.649dup, p.His217fs (NM_001322154.2); c.1132dup, p.His378fs (NM_001322156.2); c.1234dup, p.His412fs (NM_001322157.3, NM_001322165.2, NM_003205.4 and 1 more transcripts); c.1060dup, p.His354fs (NM_001322158.2); c.1303dup, p.His435fs (NM_001322161.2); and 2 more; short protein forms H424fs, H378fs, H242fs, H266fs, H436fs, H217fs, H354fs, H176fs.
Identifiers: ClinVar variation 3966428 (VCV003966428.1).